The following is an entry in ClinVar:

ClinVar aggregate classification (germline): Benign (1 of 4 stars; one submission).

Conditions:
Disorders of Intracellular Cobalamin Metabolism. Identifiers: MedGen CN043592.

Allele frequency attached by ClinVar (database versions not stated): TOPMed 0.00076; gnomAD 0.00101 and 0.00124; gnomAD exomes 0.00184; 1000 Genomes Project 30x 0.00328; 1000 Genomes Project 0.00459.

Submission:

Illumina Laboratory Services, Illumina
Classification: Benign for Disorders of Intracellular Cobalamin Metabolism. Last evaluated: 2018-01-13. Review status: criteria provided, single submitter. Criteria: ICSL Variant Classification Criteria 13 December 2019. Collection method: clinical testing. Allele origin: germline.
Comment: This variant was observed in the ICSL laboratory as part of a predisposition screen in an ostensibly healthy population. It had not been previously curated by ICSL or reported in the Human Gene Mutation Database (HGMD: prior to June 1st, 2018), and was therefore a candidate for classification through an automated scoring system. Utilizing variant allele frequency, disease prevalence and penetrance estimates, and inheritance mode, an automated score was calculated to assess if this variant is too frequent to cause the disease. Based on the score and internal cut-off values, a variant classified as benign is not then subjected to further curation. The score for this variant resulted in a classification of benign for this disease.

NM_015506.3(MMACHC):c.*310G>A

Gene: MMACHC (metabolism of cobalamin associated C; plus strand). Cytogenetic location: 1p34.1.
Variant type: single nucleotide variant.
Coding change: c.*310G>A on transcript NM_015506.3 (MANE Select); 310 bases downstream of the stop codon, G replaced by A.
Molecular consequence: 3 prime UTR variant.
Genome position (GRCh38, 1-based): chr1:45,509,525, G>A. VCF-style: chr1-45509525-G-A. GRCh37 (hg19) VCF-style: chr1-45975197-G-A.
Other names: c.*310G>A (NM_001330540.2).
Identifiers: ClinVar variation 297503 (VCV000297503.5), dbSNP rs146159774, ClinGen allele CA10611165.
Genomic context (GRCh38, chr1:45,509,525, plus strand): 5'-GTGCAGTGGCACAGTCTCTACTCACTGCAACCTCTGCCTCCTGGGTTCAAGCAATTATCT[G>A]CCTCAGCCTCCTGAGTAGCTGGGATGACAGGTGCCTGCCACTACACCTGGCTAATTTTTT-3'